The following is an entry in ClinVar:

NM_000179.3(MSH6):c.1358A>G (p.Lys453Arg)

Gene: MSH6 (mutS homolog 6; plus strand). Cytogenetic location: 2p16.3.
Variant type: single nucleotide variant.
Coding change: c.1358A>G on transcript NM_000179.3 (MANE Select); coding-DNA position 1358, A replaced by G.
Protein change: p.Lys453Arg; replaces lysine 453 with arginine.
Molecular consequence: missense variant. On other transcripts: non-coding transcript variant (4), intron variant (1).
Genome position (GRCh38, 1-based): chr2:47,799,341, A>G. VCF-style: chr2-47799341-A-G. GRCh37 (hg19) VCF-style: chr2-48026480-A-G.
Other names: c.1061A>G, p.Lys354Arg (NM_001406824.1, NM_001406825.1, NM_001406827.1 and 10 more transcripts); c.1190A>G, p.Lys397Arg (NM_001406826.1); c.452A>G, p.Lys151Arg (NM_001406829.1, NM_001406823.1, NM_001281493.2 and 6 more transcripts); c.628-1325A>G (NM_001407362.1); c.968A>G, p.Lys323Arg (NM_001281492.2); c.1454A>G, p.Lys485Arg (NM_001406795.1, NM_001406802.1); c.1358A>G, p.Lys453Arg (NM_001406796.1, NM_001406798.1, NM_001406800.1 and 4 more transcripts); c.833A>G, p.Lys278Arg (NM_001406799.1, NM_001406806.1, NM_001406807.1); and 2 more; short protein forms K151R, K278R, K323R, K354R, K397R, K427R, K453R, K455R.
Identifiers: ClinVar variation 4860428 (VCV004860428.1).

ClinVar aggregate classification (germline): Uncertain significance (1 of 4 stars; one submission).

Conditions:
Hereditary cancer-predisposing syndrome. Also called: Neoplastic Syndromes, Hereditary; Tumor predisposition; Hereditary Cancer Syndrome; Hereditary neoplastic syndrome. Identifiers: Orphanet 140162, MedGen C0027672, MeSH D009386, MONDO:0015356.

Submission:

Ambry Genetics
Classification: Uncertain significance for Hereditary cancer-predisposing syndrome. Last evaluated: 2026-06-14. Review status: criteria provided, single submitter. Criteria: Ambry Variant Classification Scheme 2023. Collection method: clinical testing. Allele origin: germline.
Comment: The p.K453R variant (also known as c.1358A>G), located in coding exon 4 of the MSH6 gene, results from an A to G substitution at nucleotide position 1358. The lysine at codon 453 is replaced by arginine, an amino acid with highly similar properties. This amino acid position is conserved. In addition, this alteration is predicted to be deleterious by in silico analysis. Based on the available evidence, the clinical significance of this variant remains unclear.